The following is an entry in ClinVar:

ClinVar aggregate classification (germline): Benign/Likely benign. Review status: criteria provided, multiple submitters, no conflicts (2 of 4 stars). 10 submissions from 10 submitters: Benign (6); Likely benign (3). 1 of the submissions does not count toward it. Last evaluated 2026-08-01.

Conditions:
KCNQ3-related disorder. Also called: KCNQ3-Related Disorders; KCNQ3-related condition. Identifiers: MedGen CN381530.
Benign neonatal seizures. Also called: Benign neonatal familial convulsions; Benign familial neonatal seizures; Benign familial neonatal epilepsy; Convulsions benign familial neonatal dominant form; Autosomal dominant form of benign neonatal seizures. Identifiers: Orphanet 1949, MedGen C0220669, MONDO:0016027.
Inborn genetic diseases. Identifiers: MedGen C0950123, MeSH D030342.
Seizures, benign familial neonatal, 2. Also called: Seizures, benign neonatal, 2; KCNQ3-Related Self-Limited Familial Neonatal Epilepsy (SLFNE); CONVULSIONS, BENIGN FAMILIAL NEONATAL, 2; Benign Neonatal Epilepsy 2; KCNQ3-Related Benign Familial Neonatal Epilepsy. Identifiers: Orphanet 1949, MedGen C1852581, MONDO:0007366, OMIM 121201.

Allele frequency attached by ClinVar (database versions not stated): gnomAD exomes 0.00027 and 0.00075; ExAC 0.00093; 1000 Genomes Project 0.00220; 1000 Genomes Project 30x 0.00250; gnomAD 0.00306 and 0.00334; TOPMed 0.00320; ESP Exome Variant Server 0.00346.
gnomAD v4.1: 890 of 1,614,146 alleles (0.055%); highest among the groups gnomAD compares: African/African-American, 1.1%; 4 homozygotes.

Submissions (10):

CeGaT Center for Human Genetics Tuebingen
Classification: Likely benign. Last evaluated: 2026-08-01. Review status: criteria provided, single submitter. Criteria: CeGaT Center For Human Genetics Tuebingen Variant Classification Criteria Version 2. Collection method: clinical testing. Allele origin: germline. Affected: yes. Observed: 1 variant allele.
Comment: KCNQ3: BS1

Labcorp Genetics (formerly Invitae), Labcorp
Classification: Benign for Benign neonatal seizures. Last evaluated: 2026-02-03. Review status: criteria provided, single submitter. Criteria: Invitae Variant Classification Sherloc (09022015). Collection method: clinical testing. Allele origin: germline.

Blueprint Genetics
Classification: Likely benign. Last evaluated: 2024-06-27. Review status: criteria provided, single submitter. Criteria: ACMG Guidelines, 2015. Collection method: clinical testing. Allele origin: germline.

Fulgent Genetics
Classification: Likely benign for Seizures, benign familial neonatal, 2. Last evaluated: 2021-10-25. Review status: criteria provided, single submitter. Criteria: ACMG Guidelines, 2015. Collection method: clinical testing. Allele origin: unknown.

Mayo Clinic Laboratories, Mayo Clinic
Classification: Benign. Last evaluated: 2018-12-10. Review status: criteria provided, single submitter. Criteria: ACMG Guidelines, 2015. Collection method: clinical testing. Allele origin: germline. Observed: 4 variant alleles.

Illumina Laboratory Services, Illumina
Classification: Benign for Seizures, benign familial neonatal, 2. Last evaluated: 2018-01-13. Review status: criteria provided, single submitter. Criteria: ICSL Variant Classification Criteria 13 December 2019. Collection method: clinical testing. Allele origin: germline.
Comment: This variant was observed in the ICSL laboratory as part of a predisposition screen in an ostensibly healthy population. It had not been previously curated by ICSL or reported in the Human Gene Mutation Database (HGMD: prior to June 1st, 2018), and was therefore a candidate for classification through an automated scoring system. Utilizing variant allele frequency, disease prevalence and penetrance estimates, and inheritance mode, an automated score was calculated to assess if this variant is too frequent to cause the disease. Based on the score and internal cut-off values, a variant classified as benign is not then subjected to further curation. The score for this variant resulted in a classification of benign for this disease.

Ambry Genetics
Classification: Benign for Inborn genetic diseases. Last evaluated: 2016-06-24. Review status: criteria provided, single submitter. Criteria: Ambry Variant Classification Scheme 2023. Collection method: clinical testing. Allele origin: germline.

GeneDx
Classification: Benign. Last evaluated: 2014-06-02. Review status: criteria provided, single submitter. Criteria: GeneDx Variant Classification (06012015). Collection method: clinical testing. Allele origin: germline. Affected: yes.
Comment: This variant is considered likely benign or benign based on one or more of the following criteria: it is a conservative change, it occurs at a poorly conserved position in the protein, it is predicted to be benign by multiple in silico algorithms, and/or has population frequency not consistent with disease.

Breakthrough Genomics
Classification: Benign. Review status: criteria provided, single submitter. Criteria: ACMG Guidelines, 2015. Collection method: not provided. Allele origin: germline. Inheritance: Autosomal dominant inheritance. Affected: yes.

PreventionGenetics, part of Exact Sciences
Classification: Benign for KCNQ3-related condition. Last evaluated: 2019-07-18. Review status: no assertion criteria provided. Collection method: clinical testing. Allele origin: germline. Not counted in ClinVar's aggregate classification.
Comment: This variant is classified as benign based on ACMG/AMP sequence variant interpretation guidelines (Richards et al. 2015 PMID: 25741868, with internal and published modifications).

NM_004519.4(KCNQ3):c.2168G>A (p.Gly723Glu)

Gene: KCNQ3 (potassium voltage-gated channel subfamily Q member 3; minus strand). Cytogenetic location: 8q24.22.
Variant type: single nucleotide variant.
Coding change: c.2168G>A on transcript NM_004519.4 (MANE Select); coding-DNA position 2168, G replaced by A.
Protein change: p.Gly723Glu; replaces glycine 723 with glutamic acid.
Molecular consequence: missense variant.
Genome position (GRCh38, 1-based): chr8:132,129,713, C>T on the plus strand (G>A on the coding strand, the complement: KCNQ3 is on the minus strand). VCF-style: chr8-132129713-C-T. GRCh37 (hg19) VCF-style: chr8-133141960-C-T.
Other names: p.G723E:GGG>GAG; p.Gly723Glu; c.1808G>A, p.Gly603Glu (NM_001204824.2); short protein forms G723E, G603E.
Identifiers: ClinVar variation 138050 (VCV000138050.27), dbSNP rs142149782, ClinGen allele CA291845.